The following is an entry in ClinVar:

ClinVar aggregate classification (germline): Uncertain significance (1 of 4 stars; one submission).

Conditions:
Familial adenomatous polyposis 1 (FAP1). Also called: FAMILIAL ADENOMATOUS POLYPOSIS 1, ATTENUATED; POLYPOSIS, ADENOMATOUS INTESTINAL. Identifiers: MedGen C2713442, MONDO:0021056, OMIM 175100. Disease mechanism: loss of function.

Submission:

Labcorp Genetics (formerly Invitae), Labcorp
Classification: Uncertain significance for Familial adenomatous polyposis 1. Last evaluated: 2019-06-16. Review status: criteria provided, single submitter. Criteria: Invitae Variant Classification Sherloc (09022015). Collection method: clinical testing. Allele origin: germline.
Comment: In summary, the available evidence is currently insufficient to determine the role of this variant in disease. Therefore, it has been classified as a Variant of Uncertain Significance. Experimental studies and prediction algorithms are not available for this variant, and the functional significance of this non-coding change is currently unknown. This variant has not been reported in the literature in individuals with APC-related conditions. The frequency data for this variant in the population databases is considered unreliable, as metrics indicate insufficient coverage at this position in the ExAC database. This variant occurs in a non-coding region of the APC gene. It does not change the encoded amino acid sequence of the APC protein.

NM_001127511.3(APC):c.-63G>A

Gene: APC (APC regulator of Wnt signaling pathway; plus strand). Cytogenetic location: 5q22.2.
Variant type: single nucleotide variant.
Coding change: c.-63G>A on transcript NM_001127511.3; 63 bases upstream of the start codon, G replaced by A.
Molecular consequence: 5 prime UTR variant. On other transcripts: non-coding transcript variant (1), intron variant (5).
Genome position (GRCh38, 1-based): chr5:112,707,655, G>A. VCF-style: chr5-112707655-G-A. GRCh37 (hg19) VCF-style: chr5-112043352-G-A.
Other names: c.-246G>A (NM_001354895.2, NM_001407447.1, NM_001407452.1 and 3 more transcripts); c.-63G>A (NM_001354897.2, NM_001354902.2, NM_001407446.1); c.-1281G>A (NM_001407470.1, NM_001407472.1); c.-19+6G>A (NM_001407448.1, NM_001407450.1, NM_001407457.1 and 1 more transcripts); c.-43+6G>A (NM_001407453.1).
Identifiers: ClinVar variation 1003691 (VCV001003691.9), dbSNP rs1369215546, ClinGen allele CA1573442597.